The following is an entry in ClinVar:

NM_177438.3(DICER1):c.477G>A (p.Leu159=)

Gene: DICER1 (dicer 1, ribonuclease III; minus strand). Cytogenetic location: 14q32.13.
Variant type: single nucleotide variant.
Coding change: c.477G>A on transcript NM_177438.3 (MANE Select); coding-DNA position 477, G replaced by A.
Protein change: p.Leu159=; no amino-acid change (leucine 159 retained).
Molecular consequence: synonymous variant.
Genome position (GRCh38, 1-based): chr14:95,130,154, C>T on the plus strand (G>A on the coding strand, the complement: DICER1 is on the minus strand). VCF-style: chr14-95130154-C-T. GRCh37 (hg19) VCF-style: chr14-95596491-C-T.
Other names: c.477G>A, p.Leu159= (NM_001195573.1, NM_001271282.3, NM_001291628.2 and 1 more transcripts).
Identifiers: ClinVar variation 1614368 (VCV001614368.12), dbSNP rs1421978355, ClinGen allele CA487633945.
Genomic context (GRCh38, chr14:95,130,154, plus strand): 5'-AAGATGACACTCATCAAACACCAAAAGGTTAATGTCTGACAGTGATAAGTAACCATTTTT[C>T]AAAACATTCAAGGCGACATAGCAAGTCATAATGAGAACCTAAAATAAAATCAACATCAGT-3'
Protein context (NP_803187.1, residues 149-169): IMTCYVALNV[Leu159=]KNGYLSLSDI

ClinVar aggregate classification (germline): Benign/Likely benign. Review status: criteria provided, multiple submitters, no conflicts (2 of 4 stars). 3 submissions from 3 submitters: Benign (1); Likely benign (2). Last evaluated 2026-04-15.

Conditions:
DICER1-related tumor predisposition. Also called: DICER1-related pleuropulmonary blastoma cancer predisposition syndrome; DICER1 syndrome. Identifiers: Orphanet 284343, MedGen C3839822, MONDO:0100216.
Hereditary cancer-predisposing syndrome. Also called: Neoplastic Syndromes, Hereditary; Tumor predisposition; Hereditary neoplastic syndrome; Hereditary Cancer Syndrome. Identifiers: Orphanet 140162, MedGen C0027672, MeSH D009386, MONDO:0015356.

Allele frequency attached by ClinVar (database versions not stated): gnomAD 0.00001; gnomAD exomes 0.00001.
gnomAD v4.1: 8 of 1,613,016 alleles (0.0005%); highest among the groups gnomAD compares: African/African-American, 0.0013%; no homozygotes.

Submissions (3):

Myriad Genetics, Inc.
Classification: Benign for DICER1-related tumor predisposition. Last evaluated: 2026-04-15. Review status: criteria provided, single submitter. Criteria: Myriad Autosomal Dominant, Autosomal Recessive and X-Linked Classification Criteria (2023). Collection method: clinical testing. Allele origin: unknown.
Comment: This variant is considered benign. This variant is a silent/synonymous amino acid change and it is not expected to impact splicing.

Labcorp Genetics (formerly Invitae), Labcorp
Classification: Likely benign for DICER1-related tumor predisposition. Last evaluated: 2024-07-26. Review status: criteria provided, single submitter. Criteria: Invitae Variant Classification Sherloc (09022015). Collection method: clinical testing. Allele origin: germline.

Ambry Genetics
Classification: Likely benign for Hereditary cancer-predisposing syndrome. Last evaluated: 2019-12-30. Review status: criteria provided, single submitter. Criteria: Ambry Variant Classification Scheme 2023. Collection method: clinical testing. Allele origin: germline.